The following is an entry in ClinVar:

NM_030631.4(SLC25A21):c.728G>A (p.Gly243Glu)

Gene: SLC25A21 (solute carrier family 25 member 21; minus strand). Cytogenetic location: 14q13.3.
Variant type: single nucleotide variant.
Coding change: c.728G>A on transcript NM_030631.4 (MANE Select); coding-DNA position 728, G replaced by A.
Protein change: p.Gly243Glu; replaces glycine 243 with glutamic acid.
Molecular consequence: missense variant.
Genome position (GRCh38, 1-based): chr14:36,684,801, C>T on the plus strand (G>A on the coding strand, the complement: SLC25A21 is on the minus strand). VCF-style: chr14-36684801-C-T. GRCh37 (hg19) VCF-style: chr14-37154006-C-T.
Other names: c.728G>A, p.Gly243Glu (NM_001171170.2); short protein forms G243E.
Identifiers: ClinVar variation 3699447 (VCV003699447.2).

ClinVar aggregate classification (germline): Uncertain significance (1 of 4 stars; one submission).

gnomAD v4.1: 2 of 1,614,058 alleles (0.00012%); highest among the groups gnomAD compares: Non-Finnish European, 0.00017%; no homozygotes.

Submission:

Labcorp Genetics (formerly Invitae), Labcorp
Classification: Uncertain significance. Last evaluated: 2026-01-19. Review status: criteria provided, single submitter. Criteria: Invitae Variant Classification Sherloc (09022015). Collection method: clinical testing. Allele origin: germline.
Comment: This sequence change replaces glycine, which is neutral and non-polar, with glutamic acid, which is acidic and polar, at codon 243 of the SLC25A21 protein (p.Gly243Glu). This variant is not present in population databases (gnomAD no frequency). This variant has not been reported in the literature in individuals affected with SLC25A21-related conditions. ClinVar contains an entry for this variant (Variation ID: 3699447). Invitae Evidence Modeling of protein sequence and biophysical properties (such as structural, functional, and spatial information, amino acid conservation, physicochemical variation, residue mobility, and thermodynamic stability) indicates that this missense variant is not expected to disrupt SLC25A21 protein function with a negative predictive value of 80%. In summary, the available evidence is currently insufficient to determine the role of this variant in disease. Therefore, it has been classified as a Variant of Uncertain Significance.